The following is an entry in ClinVar:

ClinVar aggregate classification (germline): Uncertain significance (1 of 4 stars; one submission).

gnomAD v4.1: 9 of 1,612,442 alleles (0.00056%); highest among the groups gnomAD compares: Non-Finnish European, 0.00068%; no homozygotes.

Submission:

Women's Health and Genetics/Laboratory Corporation of America, LabCorp
Classification: Uncertain significance. Last evaluated: 2024-12-12. Review status: criteria provided, single submitter. Criteria: LabCorp Variant Classification Summary - May 2015. Collection method: clinical testing. Allele origin: germline.
Comment: Variant summary: PDE6A c.1717T>C (p.Ser573Pro) results in a non-conservative amino acid change located in the 3'5'-cyclic nucleotide phosphodiesterase, catalytic domain (IPR002073) of the encoded protein sequence. Three of five in-silico tools predict a benign effect of the variant on protein function. The variant allele was found at a frequency of 1.6e-05 in 251448 control chromosomes (gnomAD). c.1717T>C has been reported in the literature in two siblings affected with Retinitis pigmentosa 43 (Dryja_1999). These data indicate that the variant may be associated with disease. To our knowledge, no experimental evidence demonstrating an impact on protein function has been reported. The following publications have been ascertained in the context of this evaluation (PMID: 34926197, 10393062, 31964843). No submitters have cited clinical-significance assessments for this variant to ClinVar. Based on the evidence outlined above, the variant was classified as VUS-possibly pathogenic.

Literature cited by the submitters: PubMed 31964843; PubMed 34926197; PubMed 10393062.

NM_000440.3(PDE6A):c.1717T>C (p.Ser573Pro)

Gene: PDE6A (phosphodiesterase 6A; minus strand). Cytogenetic location: 5q32.
Variant type: single nucleotide variant.
Coding change: c.1717T>C on transcript NM_000440.3 (MANE Select); coding-DNA position 1717, T replaced by C.
Protein change: p.Ser573Pro; replaces serine 573 with proline.
Molecular consequence: missense variant.
Genome position (GRCh38, 1-based): chr5:149,895,194, A>G on the plus strand (T>C on the coding strand, the complement: PDE6A is on the minus strand). VCF-style: chr5-149895194-A-G. GRCh37 (hg19) VCF-style: chr5-149274757-A-G.
Other names: c.1474T>C, p.Ser492Pro (NM_001410788.1); short protein forms S492P, S573P.
Identifiers: ClinVar variation 3768088 (VCV003768088.1).